The following is an entry in ClinVar:

NM_000075.4(CDK4):c.184C>T (p.Arg62Ter)

Genes: CDK4 (cyclin dependent kinase 4; minus strand), LOC130008148 (ATAC-STARR-seq lymphoblastoid silent region 4588; plus strand). Cytogenetic location: 12q14.1.
Variant type: single nucleotide variant.
Coding change: c.184C>T on transcript NM_000075.4 (MANE Select); coding-DNA position 184, C replaced by T.
Protein change: p.Arg62Ter; replaces arginine 62 with a stop codon.
Molecular consequence: nonsense.
Genome position (GRCh38, 1-based): chr12:57,751,534, G>A on the plus strand (C>T on the coding strand, the complement: CDK4 is on the minus strand). VCF-style: chr12-57751534-G-A. GRCh37 (hg19) VCF-style: chr12-58145317-G-A.
Other names: short protein forms R62*.
Identifiers: ClinVar variation 820176 (VCV000820176.9), dbSNP rs745481376, ClinGen allele CA6657877.

ClinVar aggregate classification (germline): Uncertain significance. Review status: criteria provided, multiple submitters, no conflicts (2 of 4 stars). 2 submissions from 2 submitters: Uncertain significance (2). Last evaluated 2025-12-03.

Conditions:
Hereditary cancer-predisposing syndrome. Also called: Neoplastic Syndromes, Hereditary; Tumor predisposition; Hereditary Cancer Syndrome; Hereditary neoplastic syndrome. Identifiers: Orphanet 140162, MedGen C0027672, MeSH D009386, MONDO:0015356.
Familial melanoma. Also called: Hereditary melanoma; Hereditary cutaneous melanoma. Identifiers: Orphanet 618, MedGen C1512419, MONDO:0018961.

Allele frequency attached by ClinVar (database versions not stated): gnomAD exomes below 0.00001; TOPMed below 0.00001; ExAC 0.00001; gnomAD 0.00001.
gnomAD v4.1: 3 of 1,613,906 alleles (0.00019%); highest among the groups gnomAD compares: African/African-American, 0.0013%; no homozygotes.

Submissions (3):

Labcorp Genetics (formerly Invitae), Labcorp
Classification: Uncertain significance for Familial melanoma. Last evaluated: 2025-12-03. Review status: criteria provided, single submitter. Criteria: Invitae Variant Classification Sherloc (09022015). Collection method: clinical testing. Allele origin: germline.
Comment: This sequence change creates a premature translational stop signal (p.Arg62*) in the CDK4 gene. It is expected to result in an absent or disrupted protein product. However, the current clinical and genetic evidence is not sufficient to establish whether loss-of-function variants in CDK4 cause disease. This variant is present in population databases (rs745481376, gnomAD 0.007%). This variant has not been reported in the literature in individuals affected with CDK4-related conditions. ClinVar contains an entry for this variant (Variation ID: 820176). Algorithms developed to predict the effect of sequence changes on RNA splicing suggest that this variant may disrupt the consensus splice site. In summary, the available evidence is currently insufficient to determine the role of this variant in disease. Therefore, it has been classified as a Variant of Uncertain Significance.

Ambry Genetics
Classification: Uncertain significance for Hereditary cancer-predisposing syndrome. Last evaluated: 2024-04-17. Review status: criteria provided, single submitter. Criteria: Ambry Variant Classification Scheme 2023. Collection method: clinical testing. Allele origin: germline.
Comment: The p.R62* variant (also known as c.184C>T), located in coding exon 1 of the CDK4 gene, results from a C to T substitution at nucleotide position 184. This changes the amino acid from an arginine to a stop codon within coding exon 1. This alteration has been reported as a somatic finding in breast cancer (Huang KL et al. Cell, 2018 04;173:355-370.e14). This alteration has also been reported as a germline finding in a colorectal cancer patient (Gong R et al. Cancer Manag Res, 2019 Apr;11:3721-3739). This alteration is expected to result in protein truncation or nonsense-mediated mRNA decay. However, loss of function of CDK4 has not been established as a mechanism of disease. Based on the available evidence, the clinical significance of this variant remains unclear.

Dr. Peter K. Rogan Lab, Western University
No classification provided (evidence only). Condition: Familial cancer of breast. Review status: no classification provided. Collection method: in vitro. Allele origin: not applicable. Functional consequence: cryptic splice site, retained intron. Not counted in ClinVar's aggregate classification.

Literature cited by the submitters: PubMed 29625052 (cited by Ambry Genetics); PubMed 31118792 (cited by Ambry Genetics).